The following is an entry in ClinVar:

ClinVar aggregate classification (germline): Conflicting classifications of pathogenicity. Review status: criteria provided, conflicting classifications (1 of 4 stars). 3 submissions from 3 submitters: Uncertain significance (2); Likely benign (1). Last evaluated 2024-01-05.

Conditions:
Hereditary cancer-predisposing syndrome. Also called: Tumor predisposition; Hereditary Cancer Syndrome; Hereditary neoplastic syndrome; Neoplastic Syndromes, Hereditary. Identifiers: Orphanet 140162, MedGen C0027672, MeSH D009386, MONDO:0015356.
Hereditary breast ovarian cancer syndrome. Also called: Hereditary breast and ovarian cancer; Hereditary breast and/or ovarian cancer syndrome; BRCA1- and BRCA2-Associated Hereditary Breast and Ovarian Cancer; Hereditary breast and ovarian cancer syndrome; Hereditary breast and ovarian cancer syndrome (HBOC); Breast and ovarian cancer. Identifiers: Orphanet 145, MedGen C0677776, MeSH D061325, MONDO:0003582. Disease mechanism: loss of function.

gnomAD v4.1: 1 of 1,613,626 alleles (0.000062%); highest among the groups gnomAD compares: Non-Finnish European, 0.000085%; no homozygotes.

Submissions (3):

Ambry Genetics
Classification: Uncertain significance for Hereditary cancer-predisposing syndrome. Last evaluated: 2024-01-05. Review status: criteria provided, single submitter. Criteria: Ambry Variant Classification Scheme 2023. Collection method: clinical testing. Allele origin: germline.
Comment: The p.C805Y variant (also known as c.2414G>A), located in coding exon 9 of the BRCA1 gene, results from a G to A substitution at nucleotide position 2414. The cysteine at codon 805 is replaced by tyrosine, an amino acid with highly dissimilar properties. This amino acid position is not well conserved in available vertebrate species. In addition, this alteration is predicted to be tolerated by in silico analysis. Since supporting evidence is limited at this time, the clinical significance of this alteration remains unclear.

Labcorp Genetics (formerly Invitae), Labcorp
Classification: Uncertain significance for Hereditary breast ovarian cancer syndrome. Last evaluated: 2023-07-27. Review status: criteria provided, single submitter. Criteria: Invitae Variant Classification Sherloc (09022015). Collection method: clinical testing. Allele origin: germline.
Comment: In summary, the available evidence is currently insufficient to determine the role of this variant in disease. Therefore, it has been classified as a Variant of Uncertain Significance. Advanced modeling of protein sequence and biophysical properties (such as structural, functional, and spatial information, amino acid conservation, physicochemical variation, residue mobility, and thermodynamic stability) performed at Invitae indicates that this missense variant is not expected to disrupt BRCA1 protein function. ClinVar contains an entry for this variant (Variation ID: 409350). This variant has not been reported in the literature in individuals affected with BRCA1-related conditions. This variant is not present in population databases (gnomAD no frequency). This sequence change replaces cysteine, which is neutral and slightly polar, with tyrosine, which is neutral and polar, at codon 805 of the BRCA1 protein (p.Cys805Tyr).

University of Washington Department of Laboratory Medicine, University of Washington
Classification: Likely benign for Hereditary cancer-predisposing syndrome. Last evaluated: 2023-03-23. Review status: criteria provided, single submitter. Criteria: Dines et al. (Genet Med. 2020). Collection method: curation. Allele origin: germline.
Comment: Missense variant in a coldspot region where missense variants are very unlikely to be pathogenic (PMID:31911673).

BRCA1 coldspot (exon 11 using historical exon numbering). Reclassification based on statistical prior probability

NM_007294.4(BRCA1):c.2414G>A (p.Cys805Tyr)

Gene: BRCA1 (BRCA1 DNA repair associated; minus strand). Cytogenetic location: 17q21.31.
Variant type: single nucleotide variant.
Coding change: c.2414G>A on transcript NM_007294.4 (MANE Select); coding-DNA position 2414, G replaced by A.
Protein change: p.Cys805Tyr; replaces cysteine 805 with tyrosine.
Molecular consequence: missense variant. On other transcripts: intron variant (137).
Genome position (GRCh38, 1-based): chr17:43,093,117, C>T on the plus strand (G>A on the coding strand, the complement: BRCA1 is on the minus strand). VCF-style: chr17-43093117-C-T. GRCh37 (hg19) VCF-style: chr17-41245134-C-T.
Other names: c.784+1627G>A (NM_001408396.1, NM_001407985.1, NM_001408397.1 and 13 more transcripts); c.2336G>A, p.Cys779Tyr (NM_001407663.1, NM_001407653.1, NM_001407654.1 and 4 more transcripts); c.2291G>A, p.Cys764Tyr (NM_001407669.1, NM_001407665.1, NM_001407666.1 and 19 more transcripts); c.548-2085G>A (NM_001408494.1); c.664+1627G>A (NM_001408444.1, NM_001408438.1, NM_001408430.1 and 12 more transcripts); c.671-2085G>A (NM_001408423.1, NM_001408420.1, NM_001408419.1 and 2 more transcripts); c.787+1627G>A (NM_001408404.1, NM_001407980.1, NM_001407993.1 and 17 more transcripts); c.2210G>A, p.Cys737Tyr (NM_001407875.1, NM_001407874.1); and 41 more; short protein forms C805Y, C758Y, C717Y, C734Y, C764Y, C509Y, C677Y, C693Y.
Identifiers: ClinVar variation 409350 (VCV000409350.15), dbSNP rs1060502352, ClinGen allele CA10597181.
Genomic context (GRCh38, chr17:43,093,117, plus strand): 5'-TCATTTCTATTATCTTTGGAACAACCATGAATTAGTCCCTTGGGGTTTTCAAATGCTGCA[C>T]ACTGACTCACACATTTATTTGGTTCTGTTTTTGCCTTCCCTAGAGTGCTAACTTCCAGTA-3'
Protein context (NP_009225.1, residues 795-815): KTEPNKCVSQ[Cys805Tyr]AAFENPKGLI